The following is an entry in ClinVar:

ClinVar aggregate classification (germline): Uncertain significance (1 of 4 stars; one submission).

Conditions:
Myasthenic syndrome, congenital, 22 (CMS22). Also called: PREPL DEFICIENCY. Identifiers: MedGen C4479088, MONDO:0044299, OMIM 616224.

Allele frequency attached by ClinVar (database versions not stated): gnomAD exomes below 0.00001 and 0.00003.

Submission:

Labcorp Genetics (formerly Invitae), Labcorp
Classification: Uncertain significance for Myasthenic syndrome, congenital, 22. Last evaluated: 2023-12-06. Review status: criteria provided, single submitter. Criteria: Invitae Variant Classification Sherloc (09022015). Collection method: clinical testing. Allele origin: germline.
Comment: This sequence change replaces methionine, which is neutral and non-polar, with isoleucine, which is neutral and non-polar, at codon 90 of the PREPL protein (p.Met90Ile). This variant is present in population databases (rs768841224, gnomAD 0.0009%). This variant has not been reported in the literature in individuals affected with PREPL-related conditions. ClinVar contains an entry for this variant (Variation ID: 642751). Advanced modeling of protein sequence and biophysical properties (such as structural, functional, and spatial information, amino acid conservation, physicochemical variation, residue mobility, and thermodynamic stability) performed at Invitae indicates that this missense variant is not expected to disrupt PREPL protein function with a negative predictive value of 80%. In summary, the available evidence is currently insufficient to determine the role of this variant in disease. Therefore, it has been classified as a Variant of Uncertain Significance.

NM_001171613.2(PREPL):c.3G>T (p.Met1Ile)

Gene: PREPL (prolyl endopeptidase like; minus strand). Cytogenetic location: 2p21.
Variant type: single nucleotide variant.
Coding change: c.3G>T on transcript NM_001171613.2 (MANE Select); coding-DNA position 3, G replaced by T.
Protein change: p.Met1Ile; changes the start codon (methionine 1).
Molecular consequence: missense variant, initiator codon variant.
Genome position (GRCh38, 1-based): chr2:44,346,340, C>A on the plus strand (G>T on the coding strand, the complement: PREPL is on the minus strand). VCF-style: chr2-44346340-C-A. GRCh37 (hg19) VCF-style: chr2-44573479-C-A.
Other names: c.270G>T, p.Met90Ile (NM_006036.4, NM_001042385.2, NM_001042386.2 and 4 more transcripts); c.3G>T, p.Met1Ile (NM_001171617.1, NM_001374277.1); short protein forms M1I, M90I.
Identifiers: ClinVar variation 642751 (VCV000642751.11), dbSNP rs768841224, ClinGen allele CA46555602.